The following is an entry in ClinVar:

ClinVar aggregate classification (germline): Uncertain significance (1 of 4 stars; one submission).

Conditions:
BICRA-related disorder. Also called: BICRA-related condition.

Submission:

PreventionGenetics, part of Exact Sciences
Classification: Uncertain significance for BICRA-related condition. Last evaluated: 2023-07-31. Review status: criteria provided, single submitter. Criteria: ACMG Guidelines, 2015. Collection method: clinical testing. Allele origin: germline.
Comment: The BICRA c.1654C>T variant is predicted to result in the amino acid substitution p.Pro552Ser. To our knowledge, this variant has not been reported in the literature or in a large population database, indicating this variant is rare. At this time, the clinical significance of this variant is uncertain due to the absence of conclusive functional and genetic evidence.

NM_001394372.1(BICRA):c.1654C>T (p.Pro552Ser)

Gene: BICRA (BRD4 interacting chromatin remodeling complex associated protein; plus strand). Cytogenetic location: 19q13.33.
Variant type: single nucleotide variant.
Coding change: c.1654C>T on transcript NM_001394372.1 (MANE Select); coding-DNA position 1654, C replaced by T.
Protein change: p.Pro552Ser; replaces proline 552 with serine.
Molecular consequence: missense variant.
Genome position (GRCh38, 1-based): chr19:47,680,824, C>T. VCF-style: chr19-47680824-C-T. GRCh37 (hg19) VCF-style: chr19-48184081-C-T.
Other names: c.1654C>T, p.Pro552Ser (NM_015711.3); short protein forms P552S.
Identifiers: ClinVar variation 2629980 (VCV002629980.1), dbSNP rs1973036340, ClinGen allele CA406615105.
Genomic context (GRCh38, chr19:47,680,824, plus strand): 5'-CCCCACTCCGGGGCCCACAGCGCGCACATCCTCTCCGCCGCTCCCATCCAGGTGGGCCAG[C>T]CTGCGCTCTTCCAGATGCCCGTGTCGCTGGCGGCGGGCAGCCTGCCCACGCAGAGCCAGC-3'
Protein context (NP_001381301.1, residues 542-562): LSAAPIQVGQ[Pro552Ser]ALFQMPVSLA